The following is an entry in ClinVar:

NM_003718.5(CDK13):c.1449_1460dup (p.Ala487_Lys488insAlaLysAlaAla)

Gene: CDK13 (cyclin dependent kinase 13; plus strand). Cytogenetic location: 7p14.1.
Variant type: Duplication.
Coding change: c.1449_1460dup on transcript NM_003718.5 (MANE Select); coding-DNA positions 1449 to 1460, 12 bases duplicated (TGCCAAGGCTGC).
Protein change: p.Ala487_Lys488insAlaLysAlaAla.
Molecular consequence: inframe indel (on NM_031267.4).
Genome position (GRCh38, 1-based): chr7:39,987,836-39,987,847, TGCCAAGGCTGC duplicated; duplicating any 12 consecutive bases within chr7:39,987,829-39,987,847 gives the same sequence; the c. name uses the placement nearest the transcript's 3' end. VCF-style (leftmost placement, unchanged base first): chr7-39987828-G-GAGGCTGCTGCCA. GRCh37 (hg19) VCF-style: chr7-40027427-G-GAGGCTGCTGCCA.
Other names: c.1449_1460dup, p.Ala487_Lys488insAlaLysAlaAla (NM_031267.4).
Identifiers: ClinVar variation 1975890 (VCV001975890.5), dbSNP rs774887186, ClinGen allele CA4228493.

ClinVar aggregate classification (germline): Uncertain significance (1 of 4 stars; one submission).

Submission:

Labcorp Genetics (formerly Invitae), Labcorp
Classification: Uncertain significance. Last evaluated: 2022-04-12. Review status: criteria provided, single submitter. Criteria: Invitae Variant Classification Sherloc (09022015). Collection method: clinical testing. Allele origin: germline.
Comment: In summary, the available evidence is currently insufficient to determine the role of this variant in disease. Therefore, it has been classified as a Variant of Uncertain Significance. This variant has not been reported in the literature in individuals affected with CDK13-related conditions. This variant is present in population databases (rs774887186, gnomAD 0.04%), and has an allele count higher than expected for a pathogenic variant. This variant, c.1449_1460dup, results in the insertion of 4 amino acid(s) of the CDK13 protein (p.Ala484_Ala487dup), but otherwise preserves the integrity of the reading frame.